The following is an entry in ClinVar:

ClinVar aggregate classification (germline): Uncertain significance. Review status: criteria provided, multiple submitters, no conflicts (2 of 4 stars). 2 submissions from 2 submitters: Uncertain significance (2). Last evaluated 2026-08-05.

Conditions:
PDE6B-related disorder. Also called: PDE6B-related disorders; PDE6B-related disease; PDE6B-related condition.

Allele frequency attached by ClinVar (database versions not stated): ExAC 0.00002; gnomAD exomes 0.00002; TOPMed 0.00002; gnomAD 0.00003; 1000 Genomes Project 30x 0.00016; 1000 Genomes Project 0.00020.
gnomAD v4.1: 38 of 1,613,970 alleles (0.0024%); highest among the groups gnomAD compares: East Asian, 0.0067%; no homozygotes.

Submissions (2):

PreventionGenetics, part of Exact Sciences
Classification: Uncertain significance for PDE6B-related condition. Last evaluated: 2026-08-05. Review status: criteria provided, single submitter. Criteria: ACMG Guidelines, 2015. Collection method: clinical testing. Allele origin: germline.
Comment: The PDE6B c.58C>T variant is predicted to result in the amino acid substitution p.Arg20Cys. To our knowledge, this variant has not been reported in the literature. This variant is reported in 0.010% of alleles in individuals of East Asian descent in gnomAD. At this time, the clinical significance of this variant is uncertain due to the absence of conclusive functional and genetic evidence.

Labcorp Genetics (formerly Invitae), Labcorp
Classification: Uncertain significance. Last evaluated: 2025-05-04. Review status: criteria provided, single submitter. Criteria: Invitae Variant Classification Sherloc (09022015). Collection method: clinical testing. Allele origin: germline.
Comment: This sequence change replaces arginine, which is basic and polar, with cysteine, which is neutral and slightly polar, at codon 20 of the PDE6B protein (p.Arg20Cys). This variant is present in population databases (rs558368752, gnomAD 0.005%). This variant has not been reported in the literature in individuals affected with PDE6B-related conditions. ClinVar contains an entry for this variant (Variation ID: 956267). Invitae Evidence Modeling of protein sequence and biophysical properties (such as structural, functional, and spatial information, amino acid conservation, physicochemical variation, residue mobility, and thermodynamic stability) has been performed for this missense variant. However, the output from this modeling did not meet the statistical confidence thresholds required to predict the impact of this variant on PDE6B protein function. In summary, the available evidence is currently insufficient to determine the role of this variant in disease. Therefore, it has been classified as a Variant of Uncertain Significance.

NM_000283.4(PDE6B):c.58C>T (p.Arg20Cys)

Gene: PDE6B (phosphodiesterase 6B; plus strand). Cytogenetic location: 4p16.3.
Variant type: single nucleotide variant.
Coding change: c.58C>T on transcript NM_000283.4 (MANE Select); coding-DNA position 58, C replaced by T.
Protein change: p.Arg20Cys; replaces arginine 20 with cysteine.
Molecular consequence: missense variant.
Genome position (GRCh38, 1-based): chr4:625,684, C>T. VCF-style: chr4-625684-C-T. GRCh37 (hg19) VCF-style: chr4-619473-C-T.
Other names: c.58C>T, p.Arg20Cys (NM_001145291.2); short protein forms R20C.
Identifiers: ClinVar variation 956267 (VCV000956267.9), dbSNP rs558368752, ClinGen allele CA2793833.
Genomic context (GRCh38, chr4:625,684, plus strand): 5'-ACCATGAGCCTCAGTGAGGAGCAGGCCCGGAGCTTTCTGGACCAGAACCCCGATTTTGCC[C>T]GCCAGTACTTTGGGAAGAAACTGAGCCCTGAGAATGTGGCCGCGGCCTGCGAGGACGGGT-3'
Protein context (NP_000274.3, residues 10-30): SFLDQNPDFA[Arg20Cys]QYFGKKLSPE